The following is an entry in ClinVar:

NM_016239.4(MYO15A):c.328C>T (p.Arg110Cys)

Gene: MYO15A (myosin XVA; plus strand). Cytogenetic location: 17p11.2.
Variant type: single nucleotide variant.
Coding change: c.328C>T on transcript NM_016239.4 (MANE Select); coding-DNA position 328, C replaced by T.
Protein change: p.Arg110Cys; replaces arginine 110 with cysteine.
Molecular consequence: missense variant.
Genome position (GRCh38, 1-based): chr17:18,119,128, C>T. VCF-style: chr17-18119128-C-T. GRCh37 (hg19) VCF-style: chr17-18022442-C-T.
Other names: short protein forms R110C.
Identifiers: ClinVar variation 618238 (VCV000618238.9), dbSNP rs779554298, ClinGen allele CA8422810.

ClinVar aggregate classification (germline): Uncertain significance (1 of 4 stars; one submission).

Allele frequency attached by ClinVar (database versions not stated): gnomAD exomes 0.00001; TOPMed 0.00001; ExAC 0.00002.

Submission:

ARUP Laboratories, Molecular Genetics and Genomics, ARUP Laboratories
Classification: Uncertain significance. Last evaluated: 2018-04-12. Review status: criteria provided, single submitter. Criteria: ARUP Molecular Germline Variant Investigation Process. Collection method: clinical testing. Allele origin: germline.
Comment: The MYO15A : p.Arg110Cys variant (rs779554298) has not been reported in the medical literature, gene specific variation databases, nor has it been previously identified by our laboratory. This variant is listed in the Genome Aggregation Database (gnomAD) with a frequency of 0.003 percent in the South Asian population (identified on a single out of 30,442 chromosomes). The arginine at position 110 is highly conserved considering 11 species (Alamut v2.11) and computational analyses of the effects of the p.Arg110Cys variant on protein structure and function provide conflicting results (SIFT: damaging, PolyPhen-2: benign). Altogether, there is not enough evidence to classify the p.Arg110Cys variant with certainty.